The following is an entry in ClinVar:

ClinVar aggregate classification (germline): Likely benign (1 of 4 stars; one submission).

Conditions:
PIEZO2-related disorder. Also called: PIEZO2-related disorders; PIEZO2-related condition.

gnomAD v4.1: 50 of 1,537,106 alleles (0.0033%); highest among the groups gnomAD compares: Non-Finnish European, 0.0039%; no homozygotes.

Submission:

PreventionGenetics, part of Exact Sciences
Classification: Likely benign for PIEZO2-related condition. Last evaluated: 2026-09-24. Review status: criteria provided, single submitter. Criteria: ACMG Guidelines, 2015. Collection method: clinical testing. Allele origin: germline.
Comment: This variant is classified as likely benign based on ACMG/AMP sequence variant interpretation guidelines (Richards et al. 2015 PMID: 25741868, with internal and published modifications).

NM_001378183.1(PIEZO2):c.3655+9G>A

Gene: PIEZO2 (piezo type mechanosensitive ion channel component 2; minus strand). Cytogenetic location: 18p11.22.
Variant type: single nucleotide variant.
Coding change: c.3655+9G>A on transcript NM_001378183.1 (MANE Select); 9 bases into the intron after coding-DNA position 3655, G replaced by A.
Molecular consequence: intron variant.
Genome position (GRCh38, 1-based): chr18:10,759,696, C>T on the plus strand (G>A on the coding strand, the complement: PIEZO2 is on the minus strand). VCF-style: chr18-10759696-C-T. GRCh37 (hg19) VCF-style: chr18-10759694-C-T.
Other names: c.3580+9G>A (NM_022068.4); c.3655+9G>A (NM_001410871.1).
Identifiers: ClinVar variation 4980642 (VCV004980642.1).
Genomic context (GRCh38, chr18:10,759,696, plus strand): 5'-TTCTCCCAGCCGTCCGCTCAGTAATGGCTTCTTCTAAAAGTAGACGGCTCAAGGGAAGGG[C>T]AGGCTCACCTCGGCAAGGAGCAGGTGGGATGCCAATGCAGATGAAATACTGGAAGGTGAT-3'